The following is an entry in ClinVar:

ClinVar aggregate classification (germline): Uncertain significance (1 of 4 stars; one submission).

Allele frequency attached by ClinVar (database versions not stated): TOPMed below 0.00001; gnomAD exomes 0.00001.

Submission:

Labcorp Genetics (formerly Invitae), Labcorp
Classification: Uncertain significance. Last evaluated: 2025-08-21. Review status: criteria provided, single submitter. Criteria: Invitae Variant Classification Sherloc (09022015). Collection method: clinical testing. Allele origin: germline.
Comment: This sequence change replaces glutamic acid, which is acidic and polar, with lysine, which is basic and polar, at codon 181 of the NAXE protein (p.Glu181Lys). This variant is present in population databases (no rsID available, gnomAD 0.007%). This variant has not been reported in the literature in individuals affected with NAXE-related conditions. ClinVar contains an entry for this variant (Variation ID: 1490458). Invitae Evidence Modeling of protein sequence and biophysical properties (such as structural, functional, and spatial information, amino acid conservation, physicochemical variation, residue mobility, and thermodynamic stability) indicates that this missense variant is not expected to disrupt NAXE protein function with a negative predictive value of 80%. In summary, the available evidence is currently insufficient to determine the role of this variant in disease. Therefore, it has been classified as a Variant of Uncertain Significance.

NM_144772.3(NAXE):c.541G>A (p.Glu181Lys)

Gene: NAXE (NAD(P)HX epimerase; plus strand). Cytogenetic location: 1q22.
Variant type: single nucleotide variant.
Coding change: c.541G>A on transcript NM_144772.3 (MANE Select); coding-DNA position 541, G replaced by A.
Protein change: p.Glu181Lys; replaces glutamic acid 181 with lysine.
Molecular consequence: missense variant.
Genome position (GRCh38, 1-based): chr1:156,593,432, G>A. VCF-style: chr1-156593432-G-A. GRCh37 (hg19) VCF-style: chr1-156563224-G-A.
Other names: short protein forms E181K.
Identifiers: ClinVar variation 1490458 (VCV001490458.6), dbSNP rs1192522743, ClinGen allele CA342874403.